The following is an entry in ClinVar:

NM_003399.6(XPNPEP2):c.259G>C (p.Glu87Gln)

Gene: XPNPEP2 (X-prolyl aminopeptidase 2; plus strand). Cytogenetic location: Xq26.1.
Variant type: single nucleotide variant.
Coding change: c.259G>C on transcript NM_003399.6 (MANE Select); coding-DNA position 259, G replaced by C.
Protein change: p.Glu87Gln; replaces glutamic acid 87 with glutamine.
Molecular consequence: missense variant.
Genome position (GRCh38, 1-based): chrX:129,745,227, G>C. VCF-style: chrX-129745227-G-C. GRCh37 (hg19) VCF-style: chrX-128879203-G-C.
Other names: short protein forms E87Q.
Identifiers: ClinVar variation 3026263 (VCV003026263.22), dbSNP rs1272063889, ClinGen allele CA414564022.

ClinVar aggregate classification (germline): Uncertain significance (1 of 4 stars; one submission).

Submission:

CeGaT Center for Human Genetics Tuebingen
Classification: Uncertain significance. Last evaluated: 2023-12-01. Review status: criteria provided, single submitter. Criteria: CeGaT Center For Human Genetics Tuebingen Variant Classification Criteria Version 2. Collection method: clinical testing. Allele origin: germline. Affected: yes. Observed: 1 variant allele.
Comment: XPNPEP2: PM2, BP4